The following is an entry in ClinVar:

NM_152564.5(VPS13B):c.147+1G>C

Gene: VPS13B (vacuolar protein sorting 13 homolog B; plus strand). Cytogenetic location: 8q22.2.
Variant type: single nucleotide variant.
Coding change: c.147+1G>C on transcript NM_152564.5 (MANE Select); the canonical splice donor site of the intron after coding-DNA position 147, G replaced by C.
Molecular consequence: splice donor variant.
Genome position (GRCh38, 1-based): chr8:99,013,936, G>C. VCF-style: chr8-99013936-G-C. GRCh37 (hg19) VCF-style: chr8-100026164-G-C.
Other names: c.147+1G>C (NM_017890.5, NM_015243.3, NM_181661.3).
Identifiers: ClinVar variation 3656321 (VCV003656321.2).

ClinVar aggregate classification (germline): Likely pathogenic (1 of 4 stars; one submission).

Conditions:
Cohen syndrome (COH1). Also called: PEPPER SYNDROME; Cutis verticis gyrata, retinitis pigmentosa, and sensorineural deafness. Identifiers: Orphanet 193, MedGen C0265223, MONDO:0008999, OMIM 216550.

Submission:

Labcorp Genetics (formerly Invitae), Labcorp
Classification: Likely pathogenic for Cohen syndrome. Last evaluated: 2024-07-17. Review status: criteria provided, single submitter. Criteria: Invitae Variant Classification Sherloc (09022015). Collection method: clinical testing. Allele origin: germline.
Comment: This sequence change affects a donor splice site in intron 2 of the VPS13B gene. It is expected to disrupt RNA splicing. Variants that disrupt the donor or acceptor splice site typically lead to a loss of protein function (PMID: 16199547), and loss-of-function variants in VPS13B are known to be pathogenic (PMID: 15141358, 16648375, 20461111). This variant is not present in population databases (gnomAD no frequency). This variant has not been reported in the literature in individuals affected with VPS13B-related conditions. Algorithms developed to predict the effect of sequence changes on RNA splicing suggest that this variant may disrupt the consensus splice site. In summary, the currently available evidence indicates that the variant is pathogenic, but additional data are needed to prove that conclusively. Therefore, this variant has been classified as Likely Pathogenic.

Literature cited by the submitters: PubMed 16199547; PubMed 15141358; PubMed 16648375; PubMed 20461111.